The following is an entry in ClinVar:

ClinVar aggregate classification (germline): Uncertain significance (1 of 4 stars; one submission).

Conditions:
Familial sleep-related hypermotor epilepsy. Also called: Autosomal Dominant Sleep-Related Hypermotor (Hyperkinetic) Epilepsy. Identifiers: Orphanet 98784, MedGen C3696898, MONDO:0000030.

Submission:

Labcorp Genetics (formerly Invitae), Labcorp
Classification: Uncertain significance. Last evaluated: 2021-05-19. Review status: criteria provided, single submitter. Criteria: Invitae Variant Classification Sherloc (09022015). Collection method: clinical testing. Allele origin: germline.
Comment: This sequence change falls in intron 3 of the CHRNA2 gene. It does not directly change the encoded amino acid sequence of the CHRNA2 protein. In summary, the available evidence is currently insufficient to determine the role of this variant in disease. Therefore, it has been classified as a Variant of Uncertain Significance. This variant is not present in population databases (ExAC no frequency). This variant has not been reported in the literature in individuals with CHRNA2-related conditions. Algorithms developed to predict the effect of sequence changes on RNA splicing suggest that this variant may disrupt the consensus splice site, but this prediction has not been confirmed by published transcriptional studies.

NM_000742.4(CHRNA2):c.295-6G>A

Gene: CHRNA2 (cholinergic receptor nicotinic alpha 2 subunit; minus strand). Cytogenetic location: 8p21.2.
Variant type: single nucleotide variant.
Coding change: c.295-6G>A on transcript NM_000742.4 (MANE Select); 6 bases into the intron before coding-DNA position 295, G replaced by A.
Molecular consequence: intron variant.
Genome position (GRCh38, 1-based): chr8:27,469,385, C>T on the plus strand (G>A on the coding strand, the complement: CHRNA2 is on the minus strand). VCF-style: chr8-27469385-C-T. GRCh37 (hg19) VCF-style: chr8-27326902-C-T.
Other names: c.-178-6G>A (NM_001347705.2, NM_001347706.2); c.250-6G>A (NM_001282455.2); c.-167-6G>A (NM_001347708.2); c.-164-6G>A (NM_001347707.2).
Identifiers: ClinVar variation 1431783 (VCV001431783.8), dbSNP rs2132665999, ClinGen allele CA2573142677.